The following is an entry in ClinVar:

NM_001903.5(CTNNA1):c.1973C>T (p.Thr658Ile)

Gene: CTNNA1 (catenin alpha 1; plus strand). Cytogenetic location: 5q31.2.
Variant type: single nucleotide variant.
Coding change: c.1973C>T on transcript NM_001903.5 (MANE Select); coding-DNA position 1973, C replaced by T.
Protein change: p.Thr658Ile; replaces threonine 658 with isoleucine.
Molecular consequence: missense variant.
Genome position (GRCh38, 1-based): chr5:138,929,319, C>T. VCF-style: chr5-138929319-C-T. GRCh37 (hg19) VCF-style: chr5-138265008-C-T.
Other names: c.1973C>T, p.Thr658Ile (NM_001290307.3, NM_001323982.2, NM_001323983.1 and 2 more transcripts); c.1664C>T, p.Thr555Ile (NM_001290309.3); c.1604C>T, p.Thr535Ile (NM_001290310.3); c.863C>T, p.Thr288Ile (NM_001290312.1, NM_001324004.1, NM_001324005.1 and 17 more transcripts); c.524C>T, p.Thr175Ile (NM_001324006.1, NM_001324007.1, NM_001324008.1 and 2 more transcripts); c.770C>T, p.Thr257Ile (NM_001324011.1); c.1880C>T, p.Thr627Ile (NM_001323986.2); c.620C>T, p.Thr207Ile (NM_001324012.1, NM_001324013.1); short protein forms T257I, T658I, T175I, T207I, T535I, T627I, T288I, T555I.
Identifiers: ClinVar variation 4007988 (VCV004007988.1).

ClinVar aggregate classification (germline): Uncertain significance (1 of 4 stars; one submission).

Conditions:
Hereditary cancer-predisposing syndrome. Also called: Tumor predisposition; Hereditary neoplastic syndrome; Neoplastic Syndromes, Hereditary; Hereditary Cancer Syndrome. Identifiers: Orphanet 140162, MedGen C0027672, MeSH D009386, MONDO:0015356.

Submission:

Ambry Genetics
Classification: Uncertain significance for Hereditary cancer-predisposing syndrome. Last evaluated: 2025-05-02. Review status: criteria provided, single submitter. Criteria: Ambry Variant Classification Scheme 2023. Collection method: clinical testing. Allele origin: germline.
Comment: The p.T658I variant (also known as c.1973C>T), located in coding exon 13 of the CTNNA1 gene, results from a C to T substitution at nucleotide position 1973. The threonine at codon 658 is replaced by isoleucine, an amino acid with similar properties. This amino acid position is conserved. In addition, the in silico prediction for this alteration is inconclusive. Based on the available evidence, the clinical significance of this variant remains unclear.